The following is an entry in ClinVar:

NM_001256789.3(CACNA1F):c.1264G>T (p.Asp422Tyr)

Gene: CACNA1F (calcium voltage-gated channel subunit alpha1 F; minus strand). Cytogenetic location: Xp11.23.
Variant type: single nucleotide variant.
Coding change: c.1264G>T on transcript NM_001256789.3 (MANE Select); coding-DNA position 1264, G replaced by T.
Protein change: p.Asp422Tyr; replaces aspartic acid 422 with tyrosine.
Molecular consequence: missense variant.
Genome position (GRCh38, 1-based): chrX:49,226,982, C>A on the plus strand (G>T on the coding strand, the complement: CACNA1F is on the minus strand). VCF-style: chrX-49226982-C-A. GRCh37 (hg19) VCF-style: chrX-49083444-C-A.
Other names: c.1264G>T (NM_005183.2); c.1069G>T, p.Asp357Tyr (NM_001256790.3); c.1264G>T, p.Asp422Tyr (NM_005183.4); short protein forms D357Y, D422Y.
Identifiers: ClinVar variation 1980184 (VCV001980184.7), dbSNP rs781801713, ClinGen allele CA10410922.

ClinVar aggregate classification (germline): Uncertain significance. Review status: criteria provided, multiple submitters, no conflicts (2 of 4 stars). 2 submissions from 2 submitters: Uncertain significance (2). Last evaluated 2025-07-16.

Conditions:
Inborn genetic diseases. Identifiers: MedGen C0950123, MeSH D030342.

Allele frequency attached by ClinVar (database versions not stated): ExAC 0.00001; 1000 Genomes Project 30x 0.00021; 1000 Genomes Project 0.00026.

Submissions (2):

Ambry Genetics
Classification: Uncertain significance for Inborn genetic diseases. Last evaluated: 2025-07-16. Review status: criteria provided, single submitter. Criteria: Ambry Variant Classification Scheme 2023. Collection method: clinical testing. Allele origin: germline.

Labcorp Genetics (formerly Invitae), Labcorp
Classification: Uncertain significance. Last evaluated: 2022-04-16. Review status: criteria provided, single submitter. Criteria: Invitae Variant Classification Sherloc (09022015). Collection method: clinical testing. Allele origin: germline.
Comment: This variant has not been reported in the literature in individuals affected with CACNA1F-related conditions. Algorithms developed to predict the effect of missense changes on protein structure and function are either unavailable or do not agree on the potential impact of this missense change (SIFT: "Deleterious"; PolyPhen-2: "Possibly Damaging"; Align-GVGD: "Class C0"). In summary, the available evidence is currently insufficient to determine the role of this variant in disease. Therefore, it has been classified as a Variant of Uncertain Significance. The frequency data for this variant in the population databases is considered unreliable, as metrics indicate poor data quality at this position in the gnomAD database. This sequence change replaces aspartic acid, which is acidic and polar, with tyrosine, which is neutral and polar, at codon 422 of the CACNA1F protein (p.Asp422Tyr).